The following is an entry in ClinVar:

NM_001365276.2(TNXB):c.9724_9736del (p.Arg3242fs)

Gene: TNXB (tenascin XB; minus strand). Cytogenetic location: 6p21.33.
Variant type: Deletion.
Coding change: c.9724_9736del on transcript NM_001365276.2 (MANE Select); coding-DNA positions 9724 to 9736, 13 bases deleted (CGCGTGGGCCCAG).
Protein change: p.Arg3242fs; shifts the reading frame from arginine 3242.
Molecular consequence: frameshift variant.
Genome position (GRCh38, 1-based): chr6:32,049,291-32,049,303, CTGGGCCCACGCG deleted on the plus strand (CGCGTGGGCCCAG on the coding strand, the reverse complement: TNXB is on the minus strand); deleting any 13 consecutive bases within chr6:32,049,291-32,049,306 gives the same sequence; the c. name uses the placement nearest the transcript's 3' end. VCF-style (leftmost placement, unchanged base first): chr6-32049290-ACTGGGCCCACGCG-A. GRCh37 (hg19) VCF-style: chr6-32017067-ACTGGGCCCACGCG-A.
Other names: c.10465_10477del, p.Arg3489fs (NM_001428335.1); c.9718_9730del, p.Arg3240fs (NM_019105.8); short protein forms R3240fs, R3242fs, R3489fs.
Identifiers: ClinVar variation 5015677 (VCV005015677.1).
Genomic context (GRCh38, chr6:32,049,290, plus strand): 5'-AGAGGTAAACCTGGGGACGAGGGCCTGTCCCCCCACTCACCCGTGATGCCCACGGTGGAC[ACTGGGCCCACGCG>A]CTGCCCCTCGTGGAGGCCGTACAGATGCATCTTGTATTTGCGCCCGGGCTCCAGGCCCCC-3'

ClinVar aggregate classification (germline): Pathogenic (1 of 4 stars; one submission).

Conditions:
Ehlers-Danlos syndrome due to tenascin-X deficiency (EDSCLL1). Also called: EDS DUE TO TNX DEFICIENCY; TNX DEFICIENCY; Ehlers-Danlos syndrome, classic-like, 1; EHLERS-DANLOS SYNDROME, CLASSIC-LIKE; TNXB-Related Classical-Like Ehlers-Danlos Syndrome. Identifiers: Orphanet 230839, MedGen C1848029, MONDO:0011670, OMIM 606408.

Submission:

Myriad Genetics, Inc.
Classification: Pathogenic for Ehlers-Danlos syndrome due to tenascin-X deficiency. Last evaluated: 2026-03-14. Review status: criteria provided, single submitter. Criteria: Myriad Autosomal Dominant, Autosomal Recessive and X-Linked Classification Criteria (2023). Collection method: clinical testing. Allele origin: unknown.
Comment: NM_019105.6(TNXB):c.9718_9730del13(R3240Cfs*28) is expected to be pathogenic in the context of classical-like Ehlers-Danlos syndrome, TNXB-related. This variant is predicted to lead to an abnormal or absent protein product due to the creation of a premature termination codon in TNXB, a gene where loss-of-function variants are known to be pathogenic. Please note: this variant was assessed in the context of healthy population screening.